The following is an entry in ClinVar:

NM_001267550.2(TTN):c.103804C>G (p.Gln34602Glu)

Genes: TTN (titin; minus strand), TTN-AS1 (TTN antisense RNA 1; plus strand). Cytogenetic location: 2q31.2.
Variant type: single nucleotide variant.
Coding change: c.103804C>G on transcript NM_001267550.2 (MANE Select); coding-DNA position 103804, C replaced by G.
Protein change: p.Gln34602Glu; replaces glutamine 34602 with glutamic acid.
Molecular consequence: missense variant.
Genome position (GRCh38, 1-based): chr2:178,532,811, G>C on the plus strand (C>G on the coding strand, the complement: TTN is on the minus strand). VCF-style: chr2-178532811-G-C. GRCh37 (hg19) VCF-style: chr2-179397538-G-C.
Other names: c.98881C>G, p.Gln32961Glu (NM_001256850.1); c.76609C>G, p.Gln25537Glu (NM_003319.4); c.76984C>G, p.Gln25662Glu (NM_133432.3); c.77185C>G, p.Gln25729Glu (NM_133437.4); c.96100C>G, p.Gln32034Glu (NM_133378.4); short protein forms Q32034E, Q34602E, Q25729E, Q25662E, Q25537E, Q32961E.
Identifiers: ClinVar variation 179955 (VCV000179955.8), dbSNP rs727505242, ClinGen allele CA185505.

ClinVar aggregate classification (germline): Uncertain significance. Review status: criteria provided, multiple submitters, no conflicts (2 of 4 stars). 2 submissions from 2 submitters: Uncertain significance (2). Last evaluated 2024-08-19.

Conditions:
Dilated cardiomyopathy 1G (CMD1G). Identifiers: Orphanet 154, MedGen C1858763, MONDO:0011400, OMIM 604145.
Autosomal recessive limb-girdle muscular dystrophy type 2J (LGMDR10). Also called: Limb-girdle muscular dystrophy, type 2J; MUSCULAR DYSTROPHY, LIMB-GIRDLE, AUTOSOMAL RECESSIVE 10. Identifiers: Orphanet 140922, MedGen C1837342, MONDO:0012127, OMIM 608807.

Submissions (2):

Labcorp Genetics (formerly Invitae), Labcorp
Classification: Uncertain significance for Dilated cardiomyopathy 1G; Autosomal recessive limb-girdle muscular dystrophy type 2J. Last evaluated: 2024-08-19. Review status: criteria provided, single submitter. Criteria: Invitae Variant Classification Sherloc (09022015). Collection method: clinical testing. Allele origin: germline.
Comment: This sequence change replaces glutamine, which is neutral and polar, with glutamic acid, which is acidic and polar, at codon 34602 of the TTN protein (p.Gln34602Glu). This variant is not present in population databases (gnomAD no frequency). This variant has not been reported in the literature in individuals affected with TTN-related conditions. ClinVar contains an entry for this variant (Variation ID: 179955). Experimental studies and prediction algorithms are not available or were not evaluated, and the functional significance of this variant is currently unknown. This variant is located in the M band of TTN (PMID: 25589632). Non-truncating variants in this region may be relevant for neuromuscular disorders, but have not been definitively shown to cause cardiomyopathy (PMID: 23975875). In summary, the available evidence is currently insufficient to determine the role of this variant in disease. Therefore, it has been classified as a Variant of Uncertain Significance.

Laboratory for Molecular Medicine, Mass General Brigham Personalized Medicine
Classification: Uncertain significance. Last evaluated: 2022-02-16. Review status: criteria provided, single submitter. Criteria: ACMG Guidelines, 2015. Collection method: clinical testing. Allele origin: germline.
Comment: The p.Gln32034Glu variant in TTN has not been previously reported in the literature in individuals with cardiomyopathy or other TTN-associated conditions and was absent from large population studies. Computational prediction tools and conservation analyses do not provide strong support for or against an impact to the protein. In summary, the clinical significance of this variant is uncertain. ACMG/AMP Criteria applied: PM2_Supporting.

Literature cited by the submitters: PubMed 25589632 (cited by Labcorp Genetics (formerly Invitae), Labcorp); PubMed 23975875 (cited by Labcorp Genetics (formerly Invitae), Labcorp).